The following is an entry in ClinVar:

ClinVar aggregate classification (germline): Pathogenic. Review status: criteria provided, multiple submitters, no conflicts (2 of 4 stars). 5 submissions from 5 submitters: Pathogenic (4). 1 of the submissions does not count toward it. Last evaluated 2025-04-01.

Conditions:
CRYGD-related disorder. Also called: CRYGD-related condition.
Aculeiform cataract (CTRCT4). Also called: Fasciculiform cataract; Frosted cataract; Needle-shaped cataract. Identifiers: MedGen C1861832, HP:0010926.
Inborn genetic diseases. Identifiers: MedGen C0950123, MeSH D030342.
Cataract 4 multiple types. Also called: CATARACT 4, PUNCTATE; CATARACT 4, CRYSTALLINE; CATARACT 4, CENTRAL NUCLEAR; CATARACT 4, NONNUCLEAR POLYMORPHIC CONGENITAL; CATARACT 4, ACULEIFORM; CATARACT 4, MULTIPLE TYPES, WITH OR WITHOUT MICROCORNEA. Identifiers: Orphanet 1377, MedGen C3540850, MONDO:0007281, OMIM 115700.

Submissions (5):

Labcorp Genetics (formerly Invitae), Labcorp
Classification: Pathogenic for Aculeiform cataract. Last evaluated: 2025-04-01. Review status: criteria provided, single submitter. Criteria: Invitae Variant Classification Sherloc (09022015). Collection method: clinical testing. Allele origin: germline.
Comment: Algorithms developed to predict the effect of variants on protein structure and function are not available or were not evaluated for this variant. Experimental studies have shown that this premature translational stop signal affects CRYGD function (PMID: 23936409). For these reasons, this variant has been classified as Pathogenic. ClinVar contains an entry for this variant (Variation ID: 574060). This sequence change creates a premature translational stop signal (p.Arg140*) in the CRYGD gene. While this is not anticipated to result in nonsense mediated decay, it is expected to disrupt the last 35 amino acid(s) of the CRYGD protein. This variant is not present in population databases (gnomAD no frequency). This premature translational stop signal has been observed in individuals with nonsyndromic congenital cataracts (PMID: 18587492, 23508780, 24465161). It has also been observed to segregate with disease in related individuals.

Ambry Genetics
Classification: Pathogenic for Inborn genetic diseases. Last evaluated: 2023-03-31. Review status: criteria provided, single submitter. Criteria: Ambry Variant Classification Scheme 2023. Collection method: clinical testing. Allele origin: germline.
Comment: The c.418C>T (p.R140*) alteration, located in exon 3 (coding exon 3) of the CRYGD gene, consists of a C to T substitution at nucleotide position 418. This changes the amino acid from an arginine (R) to a stop codon at amino acid position 140. This alteration occurs at the 3' terminus of the CRYGD gene, is not expected to trigger nonsense-mediated mRNA decay, and impacts the last 20% of the protein. The exact functional effect of this alteration is unknown. This variant was not reported in population-based cohorts in the Genome Aggregation Database (gnomAD). This variant has been reported in multiple individuals with congenital or juvenile-onset cataracts and has been shown to cosegregate with disease in multiple families (Devi, 2008; Reis, 2013; Zhai, 2014; Li, 2018; Berry, 2020; Jackson, 2020). Based on the available evidence, this alteration is classified as pathogenic.

Genome-Nilou Lab
Classification: Pathogenic for Cataract 4 multiple types. Last evaluated: 2021-07-22. Review status: criteria provided, single submitter. Criteria: ACMG Guidelines, 2015. Collection method: clinical testing. Allele origin: germline. Affected: yes.

Molecular Diagnostics Laboratory, M Health Fairview: University of Minnesota
Classification: Pathogenic for Cataract 4 multiple types. Last evaluated: 2021-03-09. Review status: criteria provided, single submitter. Criteria: ACMG Guidelines, 2015. Collection method: clinical testing. Allele origin: germline. Affected: yes.

PreventionGenetics, part of Exact Sciences
Classification: Pathogenic for CRYGD-related condition. Last evaluated: 2024-04-03. Review status: no assertion criteria provided. Collection method: clinical testing. Allele origin: germline. Not counted in ClinVar's aggregate classification.
Comment: The CRYGD c.418C>T variant is predicted to result in premature protein termination (p.Arg140*). This variant occurs within the terminal exon of the CRYGD gene and truncates the coding sequence by 34 amino acids. This variant was reported in individuals with pediatric cataract and segregation was observed in multiple families (Devi et al. 2008. PubMed ID: 18587492; Berry et al. 2020. PubMed ID: 33243271; Reis et al. 2013. PubMed ID: 23508780; Zhai et al. 2014. PubMed ID: 24465161). Functional studies showed that this variant disrupts the c-terminal Greek key motif, causing lowered solubility and perturbing protein structure (Vendra et al. 2013. PubMed ID: 23936409). This variant has not been reported in a large population database, indicating this variant is rare. Nonsense variants in CRYGD are expected to be pathogenic. This variant is interpreted as pathogenic.

Literature cited by the submitters: PubMed 23936409 (cited by Labcorp Genetics (formerly Invitae), Labcorp); PubMed 18587492 (cited by Labcorp Genetics (formerly Invitae), Labcorp and Ambry Genetics); PubMed 23508780 (cited by Labcorp Genetics (formerly Invitae), Labcorp and Ambry Genetics); PubMed 24465161 (cited by Labcorp Genetics (formerly Invitae), Labcorp and Ambry Genetics); PubMed 29914532 (cited by Ambry Genetics); PubMed 32830442 (cited by Ambry Genetics); PubMed 33243271 (cited by Ambry Genetics).

NM_006891.4(CRYGD):c.418C>T (p.Arg140Ter)

Genes: CRYGD (crystallin gamma D; minus strand), LOC100507443 (uncharacterized LOC100507443; plus strand). Cytogenetic location: 2q33.3.
Variant type: single nucleotide variant.
Coding change: c.418C>T on transcript NM_006891.4 (MANE Select); coding-DNA position 418, C replaced by T.
Protein change: p.Arg140Ter; replaces arginine 140 with a stop codon.
Molecular consequence: nonsense.
Genome position (GRCh38, 1-based): chr2:208,121,780, G>A on the plus strand (C>T on the coding strand, the complement: CRYGD is on the minus strand). VCF-style: chr2-208121780-G-A. GRCh37 (hg19) VCF-style: chr2-208986504-G-A.
Other names: short protein forms R140*.
Identifiers: ClinVar variation 574060 (VCV000574060.13), dbSNP rs1337897299, ClinGen allele CA350091652.